The following is an entry in ClinVar:

ClinVar aggregate classification (germline): Pathogenic (1 of 4 stars; one submission).

Conditions:
Retinoblastoma (RB1). Also called: RETINOBLASTOMA, SOMATIC. Identifiers: Orphanet 790, MedGen C0035335, MeSH D012175, MONDO:0008380, OMIM 180200, HP:0009919. Disease mechanism: loss of function. Inheritance: Both sporadic and heritable forms are tested..

Submission:

Labcorp Genetics (formerly Invitae), Labcorp
Classification: Pathogenic for Retinoblastoma. Last evaluated: 2022-10-02. Review status: criteria provided, single submitter. Criteria: Invitae Variant Classification Sherloc (09022015). Collection method: clinical testing. Allele origin: germline.
Comment: This sequence change creates a premature translational stop signal (p.Asn593Lysfs*7) in the RB1 gene. It is expected to result in an absent or disrupted protein product. Loss-of-function variants in RB1 are known to be pathogenic (PMID: 17096365). This variant is not present in population databases (gnomAD no frequency). For these reasons, this variant has been classified as Pathogenic. This premature translational stop signal has been observed in individual(s) with retinoblastoma (PMID: 25754945).

Literature cited by the submitters: PubMed 17096365; PubMed 25754945.

NM_000321.3(RB1):c.1778dup (p.Asn593fs)

Gene: RB1 (RB transcriptional corepressor 1; plus strand). Cytogenetic location: 13q14.2.
Variant type: Duplication.
Coding change: c.1778dup on transcript NM_000321.3 (MANE Select); coding-DNA position 1778, one base duplicated (A; older notation c.1778dupA).
Protein change: p.Asn593fs; shifts the reading frame from asparagine 593.
Molecular consequence: frameshift variant.
Genome position (GRCh38, 1-based): chr13:48,453,075, A duplicated; the last of 2 consecutive A bases (chr13:48,453,074-48,453,075); duplicating either gives the same sequence. VCF-style (leftmost placement, unchanged base first): chr13-48453073-T-TA. GRCh37 (hg19) VCF-style: chr13-49027209-T-TA.
Other names: c.1778dup, p.Asn593Lysfs (NM_001407165.1); short protein forms N593fs.
Identifiers: ClinVar variation 2137502 (VCV002137502.4), dbSNP rs2542360796, ClinGen allele CA2580087563.